The following is an entry in ClinVar:

ClinVar aggregate classification (germline): Uncertain significance. Review status: criteria provided, multiple submitters, no conflicts (2 of 4 stars). 2 submissions from 2 submitters: Uncertain significance (2). Last evaluated 2024-05-20.

Conditions:
Inborn genetic diseases. Identifiers: MedGen C0950123, MeSH D030342.

Allele frequency attached by ClinVar (database versions not stated): gnomAD exomes 0.00002 and 0.00005; ExAC 0.00004; gnomAD 0.00005 and 0.00006.
gnomAD v4.1: 36 of 1,613,186 alleles (0.0022%); highest among the groups gnomAD compares: East Asian, 0.036%; 1 homozygote.

Submissions (2):

Ambry Genetics
Classification: Uncertain significance for Inborn genetic diseases. Last evaluated: 2024-05-20. Review status: criteria provided, single submitter. Criteria: Ambry Variant Classification Scheme 2023. Collection method: clinical testing. Allele origin: germline.

Labcorp Genetics (formerly Invitae), Labcorp
Classification: Uncertain significance. Last evaluated: 2023-08-04. Review status: criteria provided, single submitter. Criteria: Invitae Variant Classification Sherloc (09022015). Collection method: clinical testing. Allele origin: germline.
Comment: In summary, the available evidence is currently insufficient to determine the role of this variant in disease. Therefore, it has been classified as a Variant of Uncertain Significance. An algorithm developed to predict the effect of missense changes on protein structure and function (PolyPhen-2) suggests that this variant¬†is likely to be tolerated. ClinVar contains an entry for this variant (Variation ID: 1468663). This variant has not been reported in the literature in individuals affected with OBSL1-related conditions. This variant is present in population databases (rs765704645, gnomAD 0.06%). This sequence change replaces serine, which is neutral and polar, with leucine, which is neutral and non-polar, at codon 1589 of the OBSL1 protein (p.Ser1589Leu).

NM_015311.3(OBSL1):c.4766C>T (p.Ser1589Leu)

Gene: OBSL1 (obscurin like cytoskeletal adaptor 1; minus strand). Cytogenetic location: 2q35.
Variant type: single nucleotide variant.
Coding change: c.4766C>T on transcript NM_015311.3 (MANE Select); coding-DNA position 4766, C replaced by T.
Protein change: p.Ser1589Leu; replaces serine 1589 with leucine.
Molecular consequence: missense variant.
Genome position (GRCh38, 1-based): chr2:219,554,584, G>A on the plus strand (C>T on the coding strand, the complement: OBSL1 is on the minus strand). VCF-style: chr2-219554584-G-A. GRCh37 (hg19) VCF-style: chr2-220419306-G-A.
Other names: c.4766C>T (NM_015311.2); short protein forms S1589L.
Identifiers: ClinVar variation 1468663 (VCV001468663.8), dbSNP rs765704645, ClinGen allele CA2130437.
Genomic context (GRCh38, chr2:219,554,584, plus strand): 5'-ACACAGCCTGAGTCGGCCAGGCCCAGGCCATTGAGTACCAGTCGGTGACGGTGGCCGTCC[G>A]AGTGGATGTGACACTTGGGTCCTGGATACAGCTGTACTCCACCCCGGGCCCACTCCCCGG-3'
Protein context (NP_056126.1, residues 1579-1599): LYPGPKCHIH[Ser1589Leu]DGHRHRLVLN